The following is an entry in ClinVar:

ClinVar aggregate classification (germline): Uncertain significance (1 of 4 stars; one submission).

Allele frequency attached by ClinVar (database versions not stated): gnomAD exomes below 0.00001 and 0.00002; TOPMed 0.00002; ExAC 0.00003; gnomAD 0.00003 and 0.00004.
gnomAD v4.1: 10 of 1,613,968 alleles (0.00062%); highest among the groups gnomAD compares: African/African-American, 0.0053%; no homozygotes.

Submission:

Labcorp Genetics (formerly Invitae), Labcorp
Classification: Uncertain significance. Last evaluated: 2022-07-05. Review status: criteria provided, single submitter. Criteria: Invitae Variant Classification Sherloc (09022015). Collection method: clinical testing. Allele origin: germline.
Comment: This sequence change replaces leucine, which is neutral and non-polar, with valine, which is neutral and non-polar, at codon 1126 of the CPLANE1 protein (p.Leu1126Val). This variant is present in population databases (rs759320408, gnomAD 0.01%). This variant has not been reported in the literature in individuals affected with CPLANE1-related conditions. ClinVar contains an entry for this variant (Variation ID: 1360071). Advanced modeling of protein sequence and biophysical properties (such as structural, functional, and spatial information, amino acid conservation, physicochemical variation, residue mobility, and thermodynamic stability) performed at Invitae indicates that this missense variant is not expected to disrupt CPLANE1 protein function. In summary, the available evidence is currently insufficient to determine the role of this variant in disease. Therefore, it has been classified as a Variant of Uncertain Significance.

NM_001384732.1(CPLANE1):c.3376C>G (p.Leu1126Val)

Gene: CPLANE1 (ciliogenesis and planar polarity effector complex subunit 1; minus strand). Cytogenetic location: 5p13.2.
Variant type: single nucleotide variant.
Coding change: c.3376C>G on transcript NM_001384732.1 (MANE Select); coding-DNA position 3376, C replaced by G.
Protein change: p.Leu1126Val; replaces leucine 1126 with valine.
Molecular consequence: missense variant.
Genome position (GRCh38, 1-based): chr5:37,201,722, G>C on the plus strand (C>G on the coding strand, the complement: CPLANE1 is on the minus strand). VCF-style: chr5-37201722-G-C. GRCh37 (hg19) VCF-style: chr5-37201824-G-C.
Other names: c.3376C>G, p.Leu1126Val (NM_023073.4); short protein forms L1126V.
Identifiers: ClinVar variation 1360071 (VCV001360071.5), dbSNP rs759320408, ClinGen allele CA3238958.